The following is an entry in ClinVar:

ClinVar aggregate classification (germline): Likely pathogenic (1 of 4 stars; one submission).

Conditions:
CD36-related disorder. Also called: CD36-related disorders; CD36-related condition.

Submission:

PreventionGenetics, part of Exact Sciences
Classification: Likely pathogenic for CD36-related condition. Last evaluated: 2025-11-01. Review status: criteria provided, single submitter. Criteria: ACMG Guidelines, 2015. Collection method: clinical testing. Allele origin: germline.
Comment: The CD36 c.609+1delG variant is predicted to result in a deletion affecting a canonical splice site. To our knowledge, this variant has not been reported in the literature. This variant is reported in 0.0058% of alleles in individuals of Latino descent in gnomAD. Variants that disrupt the consensus splice donor site in CD36 are expected to be pathogenic. This variant is interpreted as likely pathogenic.

NM_001001548.3(CD36):c.609+1del

Gene: CD36 (CD36 molecule (CD36 blood group); plus strand). Cytogenetic location: 7q21.11.
Variant type: Deletion.
Coding change: c.609+1del on transcript NM_001001548.3 (MANE Select); the canonical splice donor site of the intron after coding-DNA position 609, one base deleted (G; older notation c.609+1delG).
Molecular consequence: splice donor variant. On other transcripts: intron variant (1).
Genome position (GRCh38, 1-based): chr7:80,663,170, G deleted. VCF-style (leftmost placement, unchanged base first): chr7-80663169-TG-T. GRCh37 (hg19) VCF-style: chr7-80292485-TG-T.
Other names: c.609+1del (NM_001371075.1, NM_001001547.3, NM_001371074.1 and 6 more transcripts); c.144+1del (NM_001371081.1, NM_001371080.1); c.381+1del (NM_001289911.2); c.507+1del (NM_001371079.1); c.430-1236del (NM_001289909.1).
Identifiers: ClinVar variation 4988323 (VCV004988323.1).
Genomic context (GRCh38, chr7:80,663,169, plus strand): 5'-GGATCCATTTTTGAGTTTGGTTCCGTACCCTGTTACTACCACAGTTGGTCTGTTTTATCC[TG>T]TAAGTACCAAATATGAATGGCAATATTATTACATTTTAATTTAATTAATTCAATGGCATT-3'